The following is an entry in ClinVar:

NM_015559.3(SETBP1):c.4634C>A (p.Pro1545His)

Gene: SETBP1 (SET binding protein 1; plus strand). Cytogenetic location: 18q12.3.
Variant type: single nucleotide variant.
Coding change: c.4634C>A on transcript NM_015559.3 (MANE Select); coding-DNA position 4634, C replaced by A.
Protein change: p.Pro1545His; replaces proline 1545 with histidine.
Molecular consequence: missense variant.
Genome position (GRCh38, 1-based): chr18:45,063,541, C>A. VCF-style: chr18-45063541-C-A. GRCh37 (hg19) VCF-style: chr18-42643506-C-A.
Other names: c.4634C>A, p.Pro1545His (NM_001379141.1, NM_001379142.1); c.4463C>A, p.Pro1488His (NM_001410862.1); short protein forms P1545H, P1488H.
Identifiers: ClinVar variation 2829596 (VCV002829596.3), dbSNP rs1446022712, ClinGen allele CA402483819.

ClinVar aggregate classification (germline): Uncertain significance (1 of 4 stars; one submission).

Submission:

Labcorp Genetics (formerly Invitae), Labcorp
Classification: Uncertain significance. Last evaluated: 2023-01-17. Review status: criteria provided, single submitter. Criteria: Invitae Variant Classification Sherloc (09022015). Collection method: clinical testing. Allele origin: germline.
Comment: In summary, the available evidence is currently insufficient to determine the role of this variant in disease. Therefore, it has been classified as a Variant of Uncertain Significance. Advanced modeling of protein sequence and biophysical properties (such as structural, functional, and spatial information, amino acid conservation, physicochemical variation, residue mobility, and thermodynamic stability) performed at Invitae indicates that this missense variant is not expected to disrupt SETBP1 protein function. This variant has not been reported in the literature in individuals affected with SETBP1-related conditions. This variant is not present in population databases (gnomAD no frequency). This sequence change replaces proline, which is neutral and non-polar, with histidine, which is basic and polar, at codon 1545 of the SETBP1 protein (p.Pro1545His).